The following is an entry in ClinVar:

ClinVar aggregate classification (germline): Uncertain significance (1 of 4 stars; one submission).

Conditions:
Early-infantile DEE. Also called: Early infantile epileptic encephalopathy; Early infantile epileptic encephalopathy with suppression bursts; Ohtahara syndrome. Identifiers: Orphanet 1934, MedGen C0393706, MONDO:0800491.

Submission:

Labcorp Genetics (formerly Invitae), Labcorp
Classification: Uncertain significance for Early-infantile DEE. Last evaluated: 2023-10-12. Review status: criteria provided, single submitter. Criteria: Invitae Variant Classification Sherloc (09022015). Collection method: clinical testing. Allele origin: germline.
Comment: This sequence change replaces glutamic acid, which is acidic and polar, with glycine, which is neutral and non-polar, at codon 1455 of the SPTAN1 protein (p.Glu1455Gly). This variant is not present in population databases (gnomAD no frequency). This variant has not been reported in the literature in individuals affected with SPTAN1-related conditions. Advanced modeling of protein sequence and biophysical properties (such as structural, functional, and spatial information, amino acid conservation, physicochemical variation, residue mobility, and thermodynamic stability) has been performed at Invitae for this missense variant, however the output from this modeling did not meet the statistical confidence thresholds required to predict the impact of this variant on SPTAN1 protein function. In summary, the available evidence is currently insufficient to determine the role of this variant in disease. Therefore, it has been classified as a Variant of Uncertain Significance.

NM_001130438.3(SPTAN1):c.4364A>G (p.Glu1455Gly)

Gene: SPTAN1 (spectrin alpha, non-erythrocytic 1; plus strand). Cytogenetic location: 9q34.11.
Variant type: single nucleotide variant.
Coding change: c.4364A>G on transcript NM_001130438.3 (MANE Select); coding-DNA position 4364, A replaced by G.
Protein change: p.Glu1455Gly; replaces glutamic acid 1455 with glycine.
Molecular consequence: missense variant.
Genome position (GRCh38, 1-based): chr9:128,608,149, A>G. VCF-style: chr9-128608149-A-G. GRCh37 (hg19) VCF-style: chr9-131370428-A-G.
Other names: c.4304A>G, p.Glu1435Gly (NM_001195532.2, NM_001363765.2, NM_001375314.2); c.4364A>G, p.Glu1455Gly (NM_001363759.2, NM_001375310.1, NM_001375311.2 and 2 more transcripts); c.4400A>G, p.Glu1467Gly (NM_001375312.2, NM_001375318.1); short protein forms E1435G, E1455G, E1467G.
Identifiers: ClinVar variation 2816848 (VCV002816848.3), dbSNP rs2541756776, ClinGen allele CA375066837.